The following is an entry in ClinVar:

ClinVar aggregate classification (germline): Conflicting classifications of pathogenicity. Review status: criteria provided, conflicting classifications (1 of 4 stars). 3 submissions from 3 submitters: Uncertain significance (1); Likely benign (2). Last evaluated 2025-01-02.

Conditions:
Hereditary breast ovarian cancer syndrome. Also called: Hereditary breast and ovarian cancer; Hereditary breast and ovarian cancer syndrome (HBOC); BRCA1- and BRCA2-Associated Hereditary Breast and Ovarian Cancer; Hereditary breast and ovarian cancer syndrome; Hereditary breast and/or ovarian cancer syndrome; Breast and ovarian cancer. Identifiers: Orphanet 145, MedGen C0677776, MeSH D061325, MONDO:0003582. Disease mechanism: loss of function.
Hereditary cancer-predisposing syndrome. Also called: Neoplastic Syndromes, Hereditary; Tumor predisposition; Hereditary Cancer Syndrome; Hereditary neoplastic syndrome. Identifiers: Orphanet 140162, MedGen C0027672, MeSH D009386, MONDO:0015356.

Allele frequency attached by ClinVar (database versions not stated): gnomAD exomes below 0.00001 and 0.00001; ExAC 0.00001; gnomAD 0.00001; 1000 Genomes Project 30x 0.00016; 1000 Genomes Project 0.00020.
gnomAD v4.1: 3 of 1,600,844 alleles (0.00019%); highest among the groups gnomAD compares: African/African-American, 0.004%; no homozygotes.

Submissions (3):

Ambry Genetics
Classification: Likely benign for Hereditary cancer-predisposing syndrome. Last evaluated: 2025-01-02. Review status: criteria provided, single submitter. Criteria: Ambry Variant Classification Scheme 2023. Collection method: clinical testing. Allele origin: germline.

Labcorp Genetics (formerly Invitae), Labcorp
Classification: Uncertain significance for Hereditary breast ovarian cancer syndrome. Last evaluated: 2023-09-27. Review status: criteria provided, single submitter. Criteria: Invitae Variant Classification Sherloc (09022015). Collection method: clinical testing. Allele origin: germline.
Comment: ClinVar contains an entry for this variant (Variation ID: 639932). Advanced modeling of protein sequence and biophysical properties (such as structural, functional, and spatial information, amino acid conservation, physicochemical variation, residue mobility, and thermodynamic stability) performed at Invitae indicates that this missense variant is not expected to disrupt BRCA2 protein function. This variant has not been reported in the literature in individuals affected with BRCA2-related conditions. In summary, the available evidence is currently insufficient to determine the role of this variant in disease. Therefore, it has been classified as a Variant of Uncertain Significance. This variant is present in population databases (rs199863034, gnomAD 0.01%). This sequence change replaces cysteine, which is neutral and slightly polar, with serine, which is neutral and polar, at codon 1348 of the BRCA2 protein (p.Cys1348Ser).

University of Washington Department of Laboratory Medicine, University of Washington
Classification: Likely benign for Hereditary cancer-predisposing syndrome. Last evaluated: 2023-03-23. Review status: criteria provided, single submitter. Criteria: Dines et al. (Genet Med. 2020). Collection method: curation. Allele origin: germline.
Comment: Missense variant in a coldspot region where missense variants are very unlikely to be pathogenic (PMID:31911673).

BRCA2 exon 11 coldspot. Reclassification based on statistical prior probability.

NM_000059.4(BRCA2):c.4042T>A (p.Cys1348Ser)

Gene: BRCA2 (BRCA2 DNA repair associated; plus strand). Cytogenetic location: 13q13.1.
Variant type: single nucleotide variant.
Coding change: c.4042T>A on transcript NM_000059.4 (MANE Select); coding-DNA position 4042, T replaced by A.
Protein change: p.Cys1348Ser; replaces cysteine 1348 with serine.
Molecular consequence: missense variant.
Genome position (GRCh38, 1-based): chr13:32,338,397, T>A. VCF-style: chr13-32338397-T-A. GRCh37 (hg19) VCF-style: chr13-32912534-T-A.
Other names: short protein forms C1348S.
Identifiers: ClinVar variation 639932 (VCV000639932.11), dbSNP rs199863034, ClinGen allele CA6940741.